The following is an entry in ClinVar:

NM_001042681.2(RERE):c.4335C>A (p.His1445Gln)

Gene: RERE (arginine-glutamic acid dipeptide repeats; minus strand). Cytogenetic location: 1p36.23.
Variant type: single nucleotide variant.
Coding change: c.4335C>A on transcript NM_001042681.2 (MANE Select); coding-DNA position 4335, C replaced by A.
Protein change: p.His1445Gln; replaces histidine 1445 with glutamine.
Molecular consequence: missense variant.
Genome position (GRCh38, 1-based): chr1:8,358,200, G>T on the plus strand (C>A on the coding strand, the complement: RERE is on the minus strand). VCF-style: chr1-8358200-G-T. GRCh37 (hg19) VCF-style: chr1-8418260-G-T.
Other names: c.2673C>A, p.His891Gln (NM_001042682.2); c.4335C>A, p.His1445Gln (NM_012102.4); short protein forms H1445Q, H891Q.
Identifiers: ClinVar variation 2227609 (VCV002227609.26), dbSNP rs200722937, ClinGen allele CA570844.

ClinVar aggregate classification (germline): Conflicting classifications of pathogenicity. Review status: criteria provided, conflicting classifications (1 of 4 stars). 2 submissions from 2 submitters: Uncertain significance (1); Likely benign (1). Last evaluated 2026-09-01.

Conditions:
Inborn genetic diseases. Identifiers: MedGen C0950123, MeSH D030342.

Allele frequency attached by ClinVar (database versions not stated): gnomAD 0.00002; gnomAD exomes 0.00002; ExAC 0.00004; TOPMed 0.00004; 1000 Genomes Project 30x 0.00016; 1000 Genomes Project 0.00020.
gnomAD v4.1: 43 of 1,590,430 alleles (0.0027%); highest among the groups gnomAD compares: Middle Eastern, 0.1%; 1 homozygote.

Submissions (2):

CeGaT Center for Human Genetics Tuebingen
Classification: Likely benign. Last evaluated: 2026-09-01. Review status: criteria provided, single submitter. Criteria: CeGaT Center For Human Genetics Tuebingen Variant Classification Criteria Version 2. Collection method: clinical testing. Allele origin: germline. Affected: yes. Observed: 2 variant alleles.
Comment: RERE: BS2

Ambry Genetics
Classification: Uncertain significance for Inborn genetic diseases. Last evaluated: 2022-07-05. Review status: criteria provided, single submitter. Criteria: Ambry Variant Classification Scheme 2023. Collection method: clinical testing. Allele origin: germline.